The following is an entry in ClinVar:

ClinVar aggregate classification (germline): Pathogenic (1 of 4 stars; one submission).

Conditions:
Ehlers-Danlos syndrome, classic type, 1 (EDSCL1). Also called: EHLERS-DANLOS SYNDROME, GRAVIS TYPE; EHLERS-DANLOS SYNDROME, SEVERE CLASSIC TYPE; Ehlers-Danlos syndrome, type 1; Ehlers-Danlos Syndrome, Classic Type, COL5A1-Related; EDS I. Identifiers: MedGen C0268335, MONDO:0019567, OMIM 130000.

Submission:

Labcorp Genetics (formerly Invitae), Labcorp
Classification: Pathogenic for Ehlers-Danlos syndrome, classic type, 1. Last evaluated: 2024-06-28. Review status: criteria provided, single submitter. Criteria: Invitae Variant Classification Sherloc (09022015). Collection method: clinical testing. Allele origin: germline.
Comment: This sequence change creates a premature translational stop signal (p.Tyr1760*) in the COL5A1 gene. It is expected to result in an absent or disrupted protein product. Loss-of-function variants in COL5A1 are known to be pathogenic (PMID: 23587214). This variant is not present in population databases (gnomAD no frequency). This variant has not been reported in the literature in individuals affected with COL5A1-related conditions. For these reasons, this variant has been classified as Pathogenic.

Literature cited by the submitters: PubMed 23587214.

NM_000093.5(COL5A1):c.5280del (p.Ser1759_Tyr1760insTer)

Genes: COL5A1 (collagen type V alpha 1 chain; plus strand), LOC101448202 (uncharacterized LOC101448202; minus strand). Cytogenetic location: 9q34.3.
Variant type: Deletion.
Coding change: c.5280del on transcript NM_000093.5 (MANE Select); coding-DNA position 5280, one base deleted (C; older notation c.5280delC).
Protein change: p.Ser1759_Tyr1760insTer.
Molecular consequence: nonsense.
Genome position (GRCh38, 1-based): chr9:134,835,114, C deleted. VCF-style (leftmost placement, unchanged base first): chr9-134835113-AC-A. GRCh37 (hg19) VCF-style: chr9-137726959-AC-A.
Other names: c.5280del, p.Ser1759_Tyr1760insTer (NM_001278074.1).
Identifiers: ClinVar variation 3658131 (VCV003658131.2).